The following is an entry in ClinVar:

NM_004958.4(MTOR):c.6819G>A (p.Pro2273=)

Gene: MTOR (mechanistic target of rapamycin kinase; minus strand). Cytogenetic location: 1p36.22.
Variant type: single nucleotide variant.
Coding change: c.6819G>A on transcript NM_004958.4 (MANE Select); coding-DNA position 6819, G replaced by A.
Protein change: p.Pro2273=; no amino-acid change (proline 2273 retained).
Molecular consequence: synonymous variant.
Genome position (GRCh38, 1-based): chr1:11,121,360, C>T on the plus strand (G>A on the coding strand, the complement: MTOR is on the minus strand). VCF-style: chr1-11121360-C-T. GRCh37 (hg19) VCF-style: chr1-11181417-C-T.
Identifiers: ClinVar variation 696427 (VCV000696427.13), dbSNP rs138151561, ClinGen allele CA588990.

ClinVar aggregate classification (germline): Benign/Likely benign. Review status: criteria provided, multiple submitters, no conflicts (2 of 4 stars). 4 submissions from 4 submitters: Benign (1); Likely benign (2). 1 of the submissions does not count toward it. Last evaluated 2026-01-13.

Conditions:
MTOR-related disorder. Also called: MTOR-related condition.

Allele frequency attached by ClinVar (database versions not stated): gnomAD exomes 0.00005 and 0.00010; ExAC 0.00011; gnomAD 0.00031 and 0.00034; ESP Exome Variant Server 0.00038; TOPMed 0.00040.
gnomAD v4.1: 116 of 1,613,920 alleles (0.0072%); highest among the groups gnomAD compares: African/African-American, 0.096%; no homozygotes.

Submissions (4):

Labcorp Genetics (formerly Invitae), Labcorp
Classification: Likely benign. Last evaluated: 2026-01-13. Review status: criteria provided, single submitter. Criteria: Invitae Variant Classification Sherloc (09022015). Collection method: clinical testing. Allele origin: germline.

Blueprint Genetics
Classification: Likely benign. Last evaluated: 2024-03-07. Review status: criteria provided, single submitter. Criteria: ACMG Guidelines, 2015. Collection method: clinical testing. Allele origin: germline.

GeneDx
Classification: Benign. Last evaluated: 2020-02-24. Review status: criteria provided, single submitter. Criteria: GeneDx Variant Classification Process June 2021. Collection method: clinical testing. Allele origin: germline. Affected: yes.

PreventionGenetics, part of Exact Sciences
Classification: Likely benign for MTOR-related condition. Last evaluated: 2021-04-20. Review status: no assertion criteria provided. Collection method: clinical testing. Allele origin: germline. Not counted in ClinVar's aggregate classification.
Comment: This variant is classified as likely benign based on ACMG/AMP sequence variant interpretation guidelines (Richards et al. 2015 PMID: 25741868, with internal and published modifications).